The following is an entry in ClinVar:

ClinVar aggregate classification (germline): Uncertain significance (1 of 4 stars; one submission).

Conditions:
Congenital myasthenic syndrome 8. Also called: MYASTHENIC SYNDROME, CONGENITAL, DUE TO AGRIN DEFICIENCY; Myasthenic syndrome, congenital, 8, with pre- and postsynaptic defects. Identifiers: Orphanet 590, MedGen C3808739, MONDO:0014052, OMIM 615120.

Allele frequency attached by ClinVar (database versions not stated): gnomAD exomes below 0.00001.
gnomAD v4.1: 3 of 1,612,826 alleles (0.00019%); highest among the groups gnomAD compares: East Asian, 0.0022%; no homozygotes.

Submission:

Labcorp Genetics (formerly Invitae), Labcorp
Classification: Uncertain significance for Congenital myasthenic syndrome 8. Last evaluated: 2022-06-20. Review status: criteria provided, single submitter. Criteria: Invitae Variant Classification Sherloc (09022015). Collection method: clinical testing. Allele origin: germline.
Comment: Algorithms developed to predict the effect of missense changes on protein structure and function (SIFT, PolyPhen-2, Align-GVGD) all suggest that this variant is likely to be tolerated. This sequence change replaces asparagine, which is neutral and polar, with aspartic acid, which is acidic and polar, at codon 1641 of the AGRN protein (p.Asn1641Asp). This variant is present in population databases (no rsID available, gnomAD 0.006%). This variant has not been reported in the literature in individuals affected with AGRN-related conditions. In summary, the available evidence is currently insufficient to determine the role of this variant in disease. Therefore, it has been classified as a Variant of Uncertain Significance.

NM_198576.4(AGRN):c.4921A>G (p.Asn1641Asp)

Gene: AGRN (agrin; plus strand). Cytogenetic location: 1p36.33.
Variant type: single nucleotide variant.
Coding change: c.4921A>G on transcript NM_198576.4 (MANE Select); coding-DNA position 4921, A replaced by G.
Protein change: p.Asn1641Asp; replaces asparagine 1641 with aspartic acid.
Molecular consequence: missense variant.
Genome position (GRCh38, 1-based): chr1:1,050,274, A>G. VCF-style: chr1-1050274-A-G. GRCh37 (hg19) VCF-style: chr1-985654-A-G.
Other names: c.4921A>G, p.Asn1641Asp (NM_001305275.2); c.4606A>G, p.Asn1536Asp (NM_001364727.2); short protein forms N1536D, N1641D.
Identifiers: ClinVar variation 1415923 (VCV001415923.8), dbSNP rs1480378637, ClinGen allele CA337779691.